The following is an entry in ClinVar:

NM_152383.5(DIS3L2):c.1796G>A (p.Arg599His)

Gene: DIS3L2 (DIS3 like 3'-5' exoribonuclease 2; plus strand). Cytogenetic location: 2q37.1.
Variant type: single nucleotide variant.
Coding change: c.1796G>A on transcript NM_152383.5 (MANE Select); coding-DNA position 1796, G replaced by A.
Protein change: p.Arg599His; replaces arginine 599 with histidine.
Molecular consequence: missense variant. On other transcripts: intron variant (1).
Genome position (GRCh38, 1-based): chr2:232,329,869, G>A. VCF-style: chr2-232329869-G-A. GRCh37 (hg19) VCF-style: chr2-233194579-G-A.
Other names: c.1582-13476G>A (NM_001257281.2); short protein forms R599H.
Identifiers: ClinVar variation 642393 (VCV000642393.10), dbSNP rs752010322, ClinGen allele CA2164272.

ClinVar aggregate classification (germline): Uncertain significance. Review status: criteria provided, multiple submitters, no conflicts (2 of 4 stars). 3 submissions from 3 submitters: Uncertain significance (3). Last evaluated 2025-05-05.

Conditions:
Inborn genetic diseases. Identifiers: MedGen C0950123, MeSH D030342.
Perlman syndrome (PRLMNS). Identifiers: Orphanet 2849, MedGen C0796113, MONDO:0009965, OMIM 267000.

Allele frequency attached by ClinVar (database versions not stated): ExAC 0.00003; gnomAD 0.00003; gnomAD exomes 0.00003; TOPMed 0.00003.
gnomAD v4.1: 20 of 1,398,358 alleles (0.0014%); highest among the groups gnomAD compares: Admixed American, 0.01%; no homozygotes.

Submissions (3):

Labcorp Genetics (formerly Invitae), Labcorp
Classification: Uncertain significance for Perlman syndrome. Last evaluated: 2025-05-05. Review status: criteria provided, single submitter. Criteria: Invitae Variant Classification Sherloc (09022015). Collection method: clinical testing. Allele origin: germline.
Comment: This sequence change replaces arginine, which is basic and polar, with histidine, which is basic and polar, at codon 599 of the DIS3L2 protein (p.Arg599His). This variant is present in population databases (rs752010322, gnomAD 0.009%). This variant has not been reported in the literature in individuals affected with DIS3L2-related conditions. ClinVar contains an entry for this variant (Variation ID: 642393). Invitae Evidence Modeling of protein sequence and biophysical properties (such as structural, functional, and spatial information, amino acid conservation, physicochemical variation, residue mobility, and thermodynamic stability) indicates that this missense variant is not expected to disrupt DIS3L2 protein function with a negative predictive value of 80%. In summary, the available evidence is currently insufficient to determine the role of this variant in disease. Therefore, it has been classified as a Variant of Uncertain Significance.

Ambry Genetics
Classification: Uncertain significance for Inborn genetic diseases. Last evaluated: 2023-09-21. Review status: criteria provided, single submitter. Criteria: Ambry Variant Classification Scheme 2023. Collection method: clinical testing. Allele origin: germline.

Baylor Genetics
Classification: Uncertain significance for Perlman syndrome. Last evaluated: 2021-02-09. Review status: criteria provided, single submitter. Criteria: ACMG Guidelines, 2015. Collection method: clinical testing. Allele origin: unknown. Affected: yes. Study: CSER-TexasKidsCanSeq.
Comment: This variant was determined to be of uncertain significance according to ACMG Guidelines, 2015 [PMID:25741868].